The following is an entry in ClinVar:

NM_001329943.3(KIAA0586):c.1653T>C (p.Ile551=)

Gene: KIAA0586 (KIAA0586; plus strand). Cytogenetic location: 14q23.1.
Variant type: single nucleotide variant.
Coding change: c.1653T>C on transcript NM_001329943.3 (MANE Select); coding-DNA position 1653, T replaced by C.
Protein change: p.Ile551=; no amino-acid change (isoleucine 551 retained).
Molecular consequence: synonymous variant.
Genome position (GRCh38, 1-based): chr14:58,458,542, T>C. VCF-style: chr14-58458542-T-C. GRCh37 (hg19) VCF-style: chr14-58925260-T-C.
Other names: c.1812T>C, p.Ile604= (NM_001244189.2); c.1608T>C, p.Ile536= (NM_001244190.2); c.1398T>C, p.Ile466= (NM_001244191.2, NM_001329945.2, NM_001364700.1 and 1 more transcripts); c.1521T>C, p.Ile507= (NM_001244192.2); c.1233T>C, p.Ile411= (NM_001244193.2); c.1653T>C, p.Ile551= (NM_001329944.2, NM_001329946.2, NM_001329947.2 and 1 more transcripts).
Identifiers: ClinVar variation 732529 (VCV000732529.10), dbSNP rs374601841, ClinGen allele CA7205704.

ClinVar aggregate classification (germline): Likely benign. Review status: criteria provided, multiple submitters, no conflicts (2 of 4 stars). 3 submissions from 3 submitters: Likely benign (2). 1 of the submissions does not count toward it. Last evaluated 2025-10-29.

Conditions:
Joubert syndrome 23 (JBTS23). Identifiers: Orphanet 475, MedGen C4084822, MONDO:0014664, OMIM 616490.
Short-rib thoracic dysplasia 14 with polydactyly (SRTD14). Identifiers: Orphanet 397715, MedGen C4225286, MONDO:0014688, OMIM 616546.
KIAA0586-related disorder. Also called: KIAA0586- Related disorders; KIAA0586-related condition.

Allele frequency attached by ClinVar (database versions not stated): gnomAD exomes 0.00004 and 0.00012; ExAC 0.00026; ESP Exome Variant Server 0.00026; TOPMed 0.00032; gnomAD 0.00044 and 0.00048.
gnomAD v4.1: 117 of 1,525,496 alleles (0.0077%); highest among the groups gnomAD compares: African/African-American, 0.16%; no homozygotes.

Submissions (3):

Labcorp Genetics (formerly Invitae), Labcorp
Classification: Likely benign for Joubert syndrome 23; Short-rib thoracic dysplasia 14 with polydactyly. Last evaluated: 2025-10-29. Review status: criteria provided, single submitter. Criteria: Invitae Variant Classification Sherloc (09022015). Collection method: clinical testing. Allele origin: germline.

Blueprint Genetics
Classification: Likely benign. Last evaluated: 2022-09-28. Review status: criteria provided, single submitter. Criteria: ACMG Guidelines, 2015. Collection method: clinical testing. Allele origin: germline.

PreventionGenetics, part of Exact Sciences
Classification: Likely benign for KIAA0586-related condition. Last evaluated: 2024-09-06. Review status: no assertion criteria provided. Collection method: clinical testing. Allele origin: germline. Not counted in ClinVar's aggregate classification.
Comment: This variant is classified as likely benign based on ACMG/AMP sequence variant interpretation guidelines (Richards et al. 2015 PMID: 25741868, with internal and published modifications).